The following is an entry in ClinVar:

NM_000384.3(APOB):c.9327C>T (p.Asn3109=)

Gene: APOB (apolipoprotein B; minus strand). Cytogenetic location: 2p24.1.
Variant type: single nucleotide variant.
Coding change: c.9327C>T on transcript NM_000384.3 (MANE Select); coding-DNA position 9327, C replaced by T.
Protein change: p.Asn3109=; no amino-acid change (asparagine 3109 retained).
Molecular consequence: synonymous variant.
Genome position (GRCh38, 1-based): chr2:21,007,541, G>A on the plus strand (C>T on the coding strand, the complement: APOB is on the minus strand). VCF-style: chr2-21007541-G-A. GRCh37 (hg19) VCF-style: chr2-21230413-G-A.
Identifiers: ClinVar variation 3393005 (VCV003393005.1).

ClinVar aggregate classification (germline): Likely benign (1 of 4 stars; one submission).

Conditions:
Familial hypercholesterolemia. Also called: Familial hypercholesterolaemia. Identifiers: MedGen C0020445, MONDO:0005439.

gnomAD v4.1: 1 of 1,614,020 alleles (0.000062%); highest among the groups gnomAD compares: Non-Finnish European, 0.000085%; no homozygotes.

Submission:

GENinCode PLC
Classification: Likely benign for Familial hypercholesterolemia. Last evaluated: 2024-05-08. Review status: criteria provided, single submitter. Criteria: ACMG Guidelines, 2015. Collection method: clinical testing. Allele origin: germline.
Comment: This is a synonymous (silent) variant that is not predicted by SpliceAI to impact splicing. In addition, it occurs at a nucleotide that is not conserved. Therefore this variant has been classified as Likely Benign (BP4, BP7).